The following is an entry in ClinVar:

ClinVar aggregate classification (germline): Benign/Likely benign. Review status: criteria provided, multiple submitters, no conflicts (2 of 4 stars). 9 submissions from 9 submitters: Benign (2); Likely benign (7). Last evaluated 2026-01-13.

Conditions:
POLD1-related polyposis and colorectal cancer syndrome (CRCS10). Also called: Colorectal cancer, susceptibility to, 10; Colorectal cancer 10; COLORECTAL CANCER, SUSCEPTIBILITY TO, ON CHROMOSOME 19q. Identifiers: Orphanet 220460, MedGen C2675481, MONDO:0012953, OMIM 612591.
Mandibular hypoplasia-deafness-progeroid syndrome. Also called: Mandibular hypoplasia, deafness, progeroid features, and lipodystrophy syndrome. Identifiers: Orphanet 363649, MedGen C3715192, MONDO:0014157, OMIM 615381.
Hereditary cancer-predisposing syndrome. Also called: Neoplastic Syndromes, Hereditary; Hereditary neoplastic syndrome; Hereditary Cancer Syndrome; Tumor predisposition. Identifiers: Orphanet 140162, MedGen C0027672, MeSH D009386, MONDO:0015356.

Allele frequency attached by ClinVar (database versions not stated): ExAC 0.00001; gnomAD 0.00001 and 0.00002; gnomAD exomes 0.00001; TOPMed 0.00001.
gnomAD v4.1: 22 of 1,599,036 alleles (0.0014%); highest among the groups gnomAD compares: African/African-American, 0.0054%; no homozygotes.

Submissions (9):

Labcorp Genetics (formerly Invitae), Labcorp
Classification: Likely benign for POLD1-related polyposis and colorectal cancer syndrome. Last evaluated: 2026-01-13. Review status: criteria provided, single submitter. Criteria: Invitae Variant Classification Sherloc (09022015). Collection method: clinical testing. Allele origin: germline.

Myriad Genetics, Inc.
Classification: Benign for POLD1-related polyposis and colorectal cancer syndrome. Last evaluated: 2025-02-05. Review status: criteria provided, single submitter. Criteria: Myriad Autosomal Dominant, Autosomal Recessive and X-Linked Classification Criteria (2023). Collection method: clinical testing. Allele origin: unknown.
Comment: This variant is considered benign. This variant is a silent/synonymous amino acid change and it is not expected to impact splicing.

KCCC/NGS Laboratory, Kuwait Cancer Control Center
Classification: Benign for POLD1-related polyposis and colorectal cancer syndrome. Last evaluated: 2025-02-01. Review status: criteria provided, single submitter. Criteria: ACMG Guidelines, 2015. Collection method: clinical testing. Allele origin: germline. Affected: no.

Blueprint Genetics
Classification: Likely benign. Last evaluated: 2024-07-17. Review status: criteria provided, single submitter. Criteria: ACMG Guidelines, 2015. Collection method: clinical testing. Allele origin: germline.

Fulgent Genetics
Classification: Likely benign for POLD1-related polyposis and colorectal cancer syndrome; Mandibular hypoplasia-deafness-progeroid syndrome. Last evaluated: 2021-07-27. Review status: criteria provided, single submitter. Criteria: ACMG Guidelines, 2015. Collection method: clinical testing. Allele origin: unknown.

Sema4
Classification: Likely benign for Hereditary cancer-predisposing syndrome. Last evaluated: 2021-02-22. Review status: criteria provided, single submitter. Criteria: Sema4 Curation Guidelines. Collection method: curation. Allele origin: germline.

GeneDx
Classification: Likely benign. Last evaluated: 2018-05-22. Review status: criteria provided, single submitter. Criteria: GeneDx Variant Classification Process June 2021. Collection method: clinical testing. Allele origin: germline. Affected: yes.

Quest Diagnostics Nichols Institute San Juan Capistrano
Classification: Likely benign. Last evaluated: 2016-12-20. Review status: criteria provided, single submitter. Criteria: Quest Diagnostics criteria. Collection method: clinical testing. Allele origin: germline.

Ambry Genetics
Classification: Likely benign for Hereditary cancer-predisposing syndrome. Last evaluated: 2015-12-15. Review status: criteria provided, single submitter. Criteria: Ambry Variant Classification Scheme 2023. Collection method: clinical testing. Allele origin: germline.

NM_002691.4(POLD1):c.933C>T (p.Arg311=)

Gene: POLD1 (DNA polymerase delta 1, catalytic subunit; plus strand). Cytogenetic location: 19q13.33.
Variant type: single nucleotide variant.
Coding change: c.933C>T on transcript NM_002691.4 (MANE Select); coding-DNA position 933, C replaced by T.
Protein change: p.Arg311=; no amino-acid change (arginine 311 retained).
Molecular consequence: synonymous variant. On other transcripts: non-coding transcript variant (1).
Genome position (GRCh38, 1-based): chr19:50,402,704, C>T. VCF-style: chr19-50402704-C-T. GRCh37 (hg19) VCF-style: chr19-50905961-C-T.
Other names: c.933C>T, p.Arg311= (NM_001256849.1, NM_001308632.1).
Identifiers: ClinVar variation 389301 (VCV000389301.23), dbSNP rs749278926, ClinGen allele CA9595958.
Genomic context (GRCh38, chr19:50,402,704, plus strand): 5'-GTGGTCTGACGTGGTCAGTCACCCACCGGAAGGGCCATGGCAGCGCATTGCGCCCTTGCG[C>T]GTGCTCAGCTTCGATATCGAGTGCGCCGGCCGCAAAGGTCTGTCCCCGGGCCCGGGCTCC-3'
Protein context (NP_002682.2, residues 301-321): EGPWQRIAPL[Arg311=]VLSFDIECAG